The following is an entry in ClinVar:

NM_001080414.4(CCDC88C):c.3596A>G (p.His1199Arg)

Gene: CCDC88C (coiled-coil and HOOK domain protein 88C; minus strand). Cytogenetic location: 14q32.11.
Variant type: single nucleotide variant.
Coding change: c.3596A>G on transcript NM_001080414.4 (MANE Select); coding-DNA position 3596, A replaced by G.
Protein change: p.His1199Arg; replaces histidine 1199 with arginine.
Molecular consequence: missense variant.
Genome position (GRCh38, 1-based): chr14:91,303,740, T>C on the plus strand (A>G on the coding strand, the complement: CCDC88C is on the minus strand). VCF-style: chr14-91303740-T-C. GRCh37 (hg19) VCF-style: chr14-91770084-T-C.
Other names: short protein forms H1199R.
Identifiers: ClinVar variation 421010 (VCV000421010.5), dbSNP rs759543877, ClinGen allele CA7309288.

ClinVar aggregate classification (germline): Uncertain significance. Review status: criteria provided, multiple submitters, no conflicts (2 of 4 stars). 3 submissions from 3 submitters: Uncertain significance (3). Last evaluated 2025-12-31.

Conditions:
Inborn genetic diseases. Identifiers: MedGen C0950123, MeSH D030342.

Allele frequency attached by ClinVar (database versions not stated): TOPMed 0.00006; gnomAD exomes 0.00010; ExAC 0.00015.
gnomAD v4.1: 66 of 1,609,228 alleles (0.0041%); highest among the groups gnomAD compares: Admixed American, 0.025%; no homozygotes.

Submissions (3):

GeneDx
Classification: Uncertain significance. Last evaluated: 2025-12-31. Review status: criteria provided, single submitter. Criteria: GeneDx Variant Classification Process June 2021. Collection method: clinical testing. Allele origin: germline. Affected: yes.
Comment: In silico analysis supports that this missense variant has a deleterious effect on protein structure/function; Has not been previously published as pathogenic or benign to our knowledge

Women's Health and Genetics/Laboratory Corporation of America, LabCorp
Classification: Uncertain significance. Last evaluated: 2025-06-26. Review status: criteria provided, single submitter. Criteria: LabCorp Variant Classification Summary - May 2015. Collection method: clinical testing. Allele origin: germline.
Comment: Variant summary: CCDC88C c.3596A>G (p.His1199Arg) results in a non-conservative amino acid change in the encoded protein sequence. Algorithms developed to predict the effect of missense changes on protein structure and function are either unavailable or do not agree on the potential impact of this missense change. The variant allele was found at a frequency of 9.9e-05 in 241616 control chromosomes. This frequency is not significantly higher than estimated for a pathogenic variant in CCDC88C causing CCDC88C-Related Disorders, allowing no conclusion about variant significance. To our knowledge, no occurrence of c.3596A>G in individuals affected with CCDC88C-Related Disorders and no experimental evidence demonstrating its impact on protein function have been reported. ClinVar contains an entry for this variant (Variation ID: 421010). Based on the evidence outlined above, the variant was classified as uncertain significance.

Ambry Genetics
Classification: Uncertain significance for Inborn genetic diseases. Last evaluated: 2025-01-01. Review status: criteria provided, single submitter. Criteria: Ambry Variant Classification Scheme 2023. Collection method: clinical testing. Allele origin: germline.